The following is an entry in ClinVar:

ClinVar aggregate classification (germline): Uncertain significance (1 of 4 stars; one submission).

Conditions:
Hypertrophic cardiomyopathy 10. Also called: CARDIOMYOPATHY, HYPERTROPHIC, MID-LEFT VENTRICULAR CHAMBER TYPE, 2; MYL2-Related Familial Hypertrophic Cardiomyopathy. Identifiers: MedGen C1834460, MONDO:0012112, OMIM 608758.

gnomAD v4.1: 1 of 1,613,456 alleles (0.000062%); highest among the groups gnomAD compares: Non-Finnish European, 0.000085%; no homozygotes.

Submission:

Labcorp Genetics (formerly Invitae), Labcorp
Classification: Uncertain significance for Hypertrophic cardiomyopathy 10. Last evaluated: 2025-08-05. Review status: criteria provided, single submitter. Criteria: Invitae Variant Classification Sherloc (09022015). Collection method: clinical testing. Allele origin: germline.
Comment: This sequence change replaces asparagine, which is neutral and polar, with lysine, which is basic and polar, at codon 154 of the MYL2 protein (p.Asn154Lys). This variant is present in population databases (no rsID available, gnomAD 0.0009%). This variant has not been reported in the literature in individuals affected with MYL2-related conditions. An algorithm developed to predict the effect of missense changes on protein structure and function (PolyPhen-2) suggests that this variant is likely to be disruptive. In summary, the available evidence is currently insufficient to determine the role of this variant in disease. Therefore, it has been classified as a Variant of Uncertain Significance.

NM_000432.4(MYL2):c.462C>G (p.Asn154Lys)

Gene: MYL2 (myosin light chain 2; minus strand). Cytogenetic location: 12q24.11.
Variant type: single nucleotide variant.
Coding change: c.462C>G on transcript NM_000432.4 (MANE Select); coding-DNA position 462, C replaced by G.
Protein change: p.Asn154Lys; replaces asparagine 154 with lysine.
Molecular consequence: missense variant.
Genome position (GRCh38, 1-based): chr12:110,911,116, G>C on the plus strand (C>G on the coding strand, the complement: MYL2 is on the minus strand). VCF-style: chr12-110911116-G-C. GRCh37 (hg19) VCF-style: chr12-111348920-G-C.
Other names: c.420C>G, p.Asn140Lys (NM_001406745.1); c.405C>G, p.Asn135Lys (NM_001406916.1); short protein forms N135K, N140K, N154K.
Identifiers: ClinVar variation 4724862 (VCV004724862.1).